The following is an entry in ClinVar:

ClinVar aggregate classification (germline): Uncertain significance (1 of 4 stars; one submission).

Conditions:
Evans syndrome, immunodeficiency, and premature immunosenescence associated with tripeptidyl-peptidase II deficiency. Identifiers: MedGen CN231723. Disease mechanism: loss of function.

gnomAD v4.1: 2 of 1,610,848 alleles (0.00012%); highest among the groups gnomAD compares: Non-Finnish European, 0.000085%; no homozygotes.

Submission:

Labcorp Genetics (formerly Invitae), Labcorp
Classification: Uncertain significance for Evans syndrome, immunodeficiency, and premature immunosenescence associated with tripeptidyl-peptidase II deficiency. Last evaluated: 2026-01-17. Review status: criteria provided, single submitter. Criteria: Invitae Variant Classification Sherloc (09022015). Collection method: clinical testing. Allele origin: germline.
Comment: This sequence change replaces lysine, which is basic and polar, with threonine, which is neutral and polar, at codon 61 of the TPP2 protein (p.Lys61Thr). This variant is not present in population databases (gnomAD no frequency). This variant has not been reported in the literature in individuals affected with TPP2-related conditions. An algorithm developed to predict the effect of missense changes on protein structure and function (PolyPhen-2) suggests that this variant is likely to be disruptive. In summary, the available evidence is currently insufficient to determine the role of this variant in disease. Therefore, it has been classified as a Variant of Uncertain Significance.

NM_001330588.2(TPP2):c.182A>C (p.Lys61Thr)

Gene: TPP2 (tripeptidyl peptidase 2; plus strand). Cytogenetic location: 13q33.1.
Variant type: single nucleotide variant.
Coding change: c.182A>C on transcript NM_001330588.2 (MANE Select); coding-DNA position 182, A replaced by C.
Protein change: p.Lys61Thr; replaces lysine 61 with threonine.
Molecular consequence: missense variant. On other transcripts: non-coding transcript variant (1).
Genome position (GRCh38, 1-based): chr13:102,604,809, A>C. VCF-style: chr13-102604809-A-C. GRCh37 (hg19) VCF-style: chr13-103257159-A-C.
Other names: c.182A>C, p.Lys61Thr (NM_001367947.1, NM_003291.4); short protein forms K61T.
Identifiers: ClinVar variation 4735069 (VCV004735069.1).